The following is an entry in ClinVar:

ClinVar aggregate classification (germline): Uncertain significance. Review status: criteria provided, multiple submitters, no conflicts (2 of 4 stars). 4 submissions from 4 submitters: Uncertain significance (4). Last evaluated 2026-03-21.

Conditions:
Cardiovascular phenotype. Identifiers: MedGen CN230736.
Brugada syndrome 8 (BRGDA8). Identifiers: Orphanet 130, MedGen C2751083, MONDO:0013148, OMIM 613123.

Allele frequency attached by ClinVar (database versions not stated): gnomAD exomes below 0.00001; ExAC 0.00002; gnomAD 0.00001.
gnomAD v4.1: 2 of 1,610,116 alleles (0.00012%); highest among the groups gnomAD compares: Non-Finnish European, 0.00017%; no homozygotes.

Submissions (4):

Ambry Genetics
Classification: Uncertain significance for Cardiovascular phenotype. Last evaluated: 2026-03-21. Review status: criteria provided, single submitter. Criteria: Ambry Variant Classification Scheme 2023. Collection method: clinical testing. Allele origin: germline.
Comment: The p.R1171I variant (also known as c.3512G>T), located in coding exon 8 of the HCN4 gene, results from a G to T substitution at nucleotide position 3512. The arginine at codon 1171 is replaced by isoleucine, an amino acid with similar properties. This amino acid position is conserved. In addition, the in silico prediction for this alteration is inconclusive. Based on the available evidence, the clinical significance of this variant remains unclear.

Molecular Diagnostic Laboratory for Inherited Cardiovascular Disease, Montreal Heart Institute
Classification: Uncertain significance for Cardiovascular phenotype. Last evaluated: 2025-04-09. Review status: criteria provided, single submitter. Criteria: ACMG Guidelines, 2015. Collection method: clinical testing. Allele origin: germline. Affected: yes.
Comment: PM2, BP4

Labcorp Genetics (formerly Invitae), Labcorp
Classification: Uncertain significance for Brugada syndrome 8. Last evaluated: 2021-04-22. Review status: criteria provided, single submitter. Criteria: Invitae Variant Classification Sherloc (09022015). Collection method: clinical testing. Allele origin: germline.
Comment: In summary, the available evidence is currently insufficient to determine the role of this variant in disease. Therefore, it has been classified as a Variant of Uncertain Significance. Advanced modeling of protein sequence and biophysical properties (such as structural, functional, and spatial information, amino acid conservation, physicochemical variation, residue mobility, and thermodynamic stability) performed at Invitae indicates that this missense variant is not expected to disrupt HCN4 protein function. This variant has not been reported in the literature in individuals with HCN4-related conditions. ClinVar contains an entry for this variant (Variation ID: 190790). The frequency data for this variant in the population databases is considered unreliable, as metrics indicate poor data quality at this position in the ExAC database. This sequence change replaces arginine with isoleucine at codon 1171 of the HCN4 protein (p.Arg1171Ile). The arginine residue is highly conserved and there is a moderate physicochemical difference between arginine and isoleucine.

GeneDx
Classification: Uncertain significance. Last evaluated: 2014-03-26. Review status: criteria provided, single submitter. Criteria: GeneDx Variant Classification (06012015). Collection method: clinical testing. Allele origin: germline. Affected: yes.
Comment: p.Arg1171Ile (AGA>ATA; R1171I): c.3512 G>T in exon 8 of the HCN4 gene (NM_005477.2). The R1171I variant has not been published as a mutation, nor has it been reported as a benign polymorphism to our knowledge. The R1171I variant was not observed in approximately 6,500 individuals of European and African American ancestry in the NHLBI Exome Sequencing Project, indicating it is not a common benign variant in these populations. The R1171I variant is a non-conservative amino acid substitution, which is likely to impact secondary protein structure as these residues differ in polarity, charge, size and/or other properties. However, this substitution occurs at a position that is not conserved across species. In silico analysis is inconsistent in its predictions as to whether or not the variant is damaging to the protein structure/function. Furthermore, no nearby missense mutations have been reported in the HCN4 gene in association with arrhythmia, indicating this region of the protein may be tolerant of change. Therefore, based on the currently available information, it is unclear whether this variant is a pathogenic mutation or a rare benign variant. The variant is found in ARRHYTHMIA panel(s).

NM_005477.3(HCN4):c.3512G>T (p.Arg1171Ile)

Gene: HCN4 (hyperpolarization activated cyclic nucleotide gated potassium channel 4; minus strand). Cytogenetic location: 15q24.1.
Variant type: single nucleotide variant.
Coding change: c.3512G>T on transcript NM_005477.3 (MANE Select); coding-DNA position 3512, G replaced by T.
Protein change: p.Arg1171Ile; replaces arginine 1171 with isoleucine.
Molecular consequence: missense variant.
Genome position (GRCh38, 1-based): chr15:73,322,581, C>A on the plus strand (G>T on the coding strand, the complement: HCN4 is on the minus strand). VCF-style: chr15-73322581-C-A. GRCh37 (hg19) VCF-style: chr15-73614922-C-A.
Other names: p.R1171I:AGA>ATA; short protein forms R1171I.
Identifiers: ClinVar variation 190790 (VCV000190790.11), dbSNP rs751152874, ClinGen allele CA301975.
Genomic context (GRCh38, chr15:73,322,581, plus strand): 5'-CTGGCCCCAGGTTCCCTCTGGGGTCCAGCAGTCAGAGGGGGCCCCCCAGAAGAGGTGGCT[C>A]TTGCCCCAAACAAAGACAGAGGGGGTGGCAAAGAACCTGAGGATGTCTTCCGAGGCAGAG-3'
Protein context (NP_005468.1, residues 1161-1181): LPPPLSLFGA[Arg1171Ile]ATSSGGPPLT